The following is an entry in ClinVar:

ClinVar aggregate classification (germline): Uncertain significance (1 of 4 stars; one submission).

gnomAD v4.1: 3 of 1,595,072 alleles (0.00019%); highest among the groups gnomAD compares: Non-Finnish European, 0.00026%; no homozygotes.

Submission:

Labcorp Genetics (formerly Invitae), Labcorp
Classification: Uncertain significance. Last evaluated: 2025-10-13. Review status: criteria provided, single submitter. Criteria: Invitae Variant Classification Sherloc (09022015). Collection method: clinical testing. Allele origin: germline.
Comment: This sequence change replaces serine, which is neutral and polar, with asparagine, which is neutral and polar, at codon 788 of the BCL11B protein (p.Ser788Asn). This variant is not present in population databases (gnomAD no frequency). This variant has not been reported in the literature in individuals affected with BCL11B-related conditions. ClinVar contains an entry for this variant (Variation ID: 3646275). Invitae Evidence Modeling of protein sequence and biophysical properties (such as structural, functional, and spatial information, amino acid conservation, physicochemical variation, residue mobility, and thermodynamic stability) has been performed for this missense variant. However, the output from this modeling did not meet the statistical confidence thresholds required to predict the impact of this variant on BCL11B protein function. In summary, the available evidence is currently insufficient to determine the role of this variant in disease. Therefore, it has been classified as a Variant of Uncertain Significance.

NM_138576.4(BCL11B):c.2363G>A (p.Ser788Asn)

Gene: BCL11B (BCL11 transcription factor B; minus strand). Cytogenetic location: 14q32.2.
Variant type: single nucleotide variant.
Coding change: c.2363G>A on transcript NM_138576.4 (MANE Select); coding-DNA position 2363, G replaced by A.
Protein change: p.Ser788Asn; replaces serine 788 with asparagine.
Molecular consequence: missense variant.
Genome position (GRCh38, 1-based): chr14:99,174,473, C>T on the plus strand (G>A on the coding strand, the complement: BCL11B is on the minus strand). VCF-style: chr14-99174473-C-T. GRCh37 (hg19) VCF-style: chr14-99640810-C-T.
Other names: c.2360G>A, p.Ser787Asn (NM_001282237.2); c.2147G>A, p.Ser716Asn (NM_001282238.2); c.2150G>A, p.Ser717Asn (NM_022898.3); short protein forms S716N, S788N, S717N, S787N.
Identifiers: ClinVar variation 3646275 (VCV003646275.2).